The following is an entry in ClinVar:

ClinVar aggregate classification (germline): Likely benign. Review status: criteria provided, multiple submitters, no conflicts (2 of 4 stars). 4 submissions from 4 submitters: Likely benign (4). Last evaluated 2025-02-16.

Conditions:
KBG syndrome (KBGS). Also called: ANKRD11-Related KBG Syndrome. Identifiers: Orphanet 2332, MedGen C0220687, MONDO:0007846, OMIM 148050.

Allele frequency attached by ClinVar (database versions not stated): TOPMed below 0.00001; gnomAD 0.00001.
gnomAD v4.1: 17 of 1,613,382 alleles (0.0011%); highest among the groups gnomAD compares: Non-Finnish European, 0.0014%; no homozygotes.

Submissions (4):

Laboratory of Genetics, Children's Clinical University Hospital Latvia
Classification: Likely benign. Last evaluated: 2025-02-16. Review status: criteria provided, single submitter. Criteria: ACMG Guidelines, 2015. Collection method: clinical testing. Allele origin: germline. Affected: yes.

Labcorp Genetics (formerly Invitae), Labcorp
Classification: Likely benign for KBG syndrome. Last evaluated: 2024-10-24. Review status: criteria provided, single submitter. Criteria: Invitae Variant Classification Sherloc (09022015). Collection method: clinical testing. Allele origin: germline.

Blueprint Genetics
Classification: Likely benign. Last evaluated: 2024-06-18. Review status: criteria provided, single submitter. Criteria: ACMG Guidelines, 2015. Collection method: clinical testing. Allele origin: germline.

CeGaT Center for Human Genetics Tuebingen
Classification: Likely benign. Last evaluated: 2024-06-01. Review status: criteria provided, single submitter. Criteria: CeGaT Center For Human Genetics Tuebingen Variant Classification Criteria Version 2. Collection method: clinical testing. Allele origin: germline. Affected: yes. Observed: 3 variant alleles.
Comment: ANKRD11: BP4, BP7

NM_013275.6(ANKRD11):c.5895C>A (p.Gly1965=)

Gene: ANKRD11 (ankyrin repeat domain 11; minus strand). Cytogenetic location: 16q24.3.
Variant type: single nucleotide variant.
Coding change: c.5895C>A on transcript NM_013275.6 (MANE Select); coding-DNA position 5895, C replaced by A.
Protein change: p.Gly1965=; no amino-acid change (glycine 1965 retained).
Molecular consequence: synonymous variant.
Genome position (GRCh38, 1-based): chr16:89,280,647, G>T on the plus strand (C>A on the coding strand, the complement: ANKRD11 is on the minus strand). VCF-style: chr16-89280647-G-T. GRCh37 (hg19) VCF-style: chr16-89347055-G-T.
Other names: c.5895C>A, p.Gly1965= (NM_001256182.2, NM_001256183.2).
Identifiers: ClinVar variation 2186171 (VCV002186171.30), dbSNP rs1299174329, ClinGen allele CA497373315.
Genomic context (GRCh38, chr16:89,280,647, plus strand): 5'-CTGTGGAGACTTCAGCAGGAGGTCCGAGCCCACAGGCCAGCTCACAGGGTTTTCAGAGGT[G>T]CCCCCGATCAGGCTAGAGGCAAGCGCCTGCTCGGAGGGGTGGGCCCACTCAACGGGCTCC-3'
Protein context (NP_037407.4, residues 1955-1975): EQALASSLIG[Gly1965=]TSENPVSWPV